The following is an entry in ClinVar:

ClinVar aggregate classification (germline): Uncertain significance (1 of 4 stars; one submission).

Conditions:
Fibrous dysplasia of jaw (CRBM). Also called: Cherubism. Identifiers: Orphanet 184, MedGen C0008029, MONDO:0007315, OMIM 118400.

Submission:

Labcorp Genetics (formerly Invitae), Labcorp
Classification: Uncertain significance for Fibrous dysplasia of jaw. Last evaluated: 2023-02-14. Review status: criteria provided, single submitter. Criteria: Invitae Variant Classification Sherloc (09022015). Collection method: clinical testing. Allele origin: germline.
Comment: This sequence change affects codon 93 of the SH3BP2 mRNA. It is a 'silent' change, meaning that it does not change the encoded amino acid sequence of the SH3BP2 protein. This variant is not present in population databases (gnomAD no frequency). This variant has not been reported in the literature in individuals affected with SH3BP2-related conditions. Algorithms developed to predict the effect of sequence changes on RNA splicing suggest that this variant may disrupt the consensus splice site. In summary, the available evidence is currently insufficient to determine the role of this variant in disease. Therefore, it has been classified as a Variant of Uncertain Significance.

NM_001122681.2(SH3BP2):c.279T>C (p.Val93=)

Gene: SH3BP2 (SH3 domain binding protein 2; plus strand). Cytogenetic location: 4p16.3.
Variant type: single nucleotide variant.
Coding change: c.279T>C on transcript NM_001122681.2 (MANE Select); coding-DNA position 279, T replaced by C.
Protein change: p.Val93=; no amino-acid change (valine 93 retained).
Molecular consequence: synonymous variant.
Genome position (GRCh38, 1-based): chr4:2,824,652, T>C. VCF-style: chr4-2824652-T-C. GRCh37 (hg19) VCF-style: chr4-2826379-T-C.
Other names: c.363T>C, p.Val121= (NM_001145855.2); c.450T>C, p.Val150= (NM_001145856.2); c.279T>C, p.Val93= (NM_003023.4).
Identifiers: ClinVar variation 2826391 (VCV002826391.3), dbSNP rs2530324553, ClinGen allele CA438103329.